The following is an entry in ClinVar:

NM_004329.3(BMPR1A):c.413T>C (p.Leu138Pro)

Gene: BMPR1A (bone morphogenetic protein receptor type 1A; plus strand). Cytogenetic location: 10q23.2.
Variant type: single nucleotide variant.
Coding change: c.413T>C on transcript NM_004329.3 (MANE Select); coding-DNA position 413, T replaced by C.
Protein change: p.Leu138Pro; replaces leucine 138 with proline.
Molecular consequence: missense variant.
Genome position (GRCh38, 1-based): chr10:86,899,873, T>C. VCF-style: chr10-86899873-T-C. GRCh37 (hg19) VCF-style: chr10-88659630-T-C.
Other names: short protein forms L138P.
Identifiers: ClinVar variation 1001070 (VCV001001070.12), dbSNP rs767385418, ClinGen allele CA211190778.
Genomic context (GRCh38, chr10:86,899,873, plus strand): 5'-TACGCCGGACAATAGAATGTTGTCGGACCAATTTATGTAACCAGTATTTGCAACCCACAC[T>C]GCCCCCTGTTGTCATAGGTAGGTTAGCCGAGAAAAGTCGGAGCATGCTTCTCAAATATCT-3'
Protein context (NP_004320.2, residues 128-148): NLCNQYLQPT[Leu138Pro]PPVVIGPFFD

ClinVar aggregate classification (germline): Uncertain significance. Review status: criteria provided, multiple submitters, no conflicts (2 of 4 stars). 3 submissions from 3 submitters: Uncertain significance (3). Last evaluated 2026-06-25.

Conditions:
Hereditary cancer-predisposing syndrome. Also called: Neoplastic Syndromes, Hereditary; Tumor predisposition; Hereditary neoplastic syndrome; Hereditary Cancer Syndrome. Identifiers: Orphanet 140162, MedGen C0027672, MeSH D009386, MONDO:0015356.
Inherited polyposis and early onset colorectal cancer - germline testing.
Juvenile polyposis syndrome (JPS). Identifiers: Orphanet 2929, MedGen C0345893, MONDO:0017380, OMIM 174900.

gnomAD v4.1: 1 of 1,614,184 alleles (0.000062%); highest among the groups gnomAD compares: Non-Finnish European, 0.000085%; no homozygotes.

Submissions (3):

Cambridge Genomics Laboratory, East Genomic Laboratory Hub, NHS Genomic Medicine Service
Classification: Uncertain significance for Inherited polyposis and early onset colorectal cancer - germline testing. Last evaluated: 2026-06-25. Review status: criteria provided, single submitter. Criteria: ACGS Best Practice Guidelines for Variant Classification in Rare Disease 2020. Collection method: clinical testing. Allele origin: germline. Affected: yes.
Comment: PM2_Supporting,PP3

Ambry Genetics
Classification: Uncertain significance for Hereditary cancer-predisposing syndrome. Last evaluated: 2021-05-12. Review status: criteria provided, single submitter. Criteria: Ambry Variant Classification Scheme 2023. Collection method: clinical testing. Allele origin: germline.
Comment: The p.L138P variant (also known as c.413T>C), located in coding exon 4 of the BMPR1A gene, results from a T to C substitution at nucleotide position 413. The leucine at codon 138 is replaced by proline, an amino acid with similar properties. This amino acid position is highly conserved in available vertebrate species. In addition, this alteration is predicted to be deleterious by in silico analysis. Since supporting evidence is limited at this time, the clinical significance of this alteration remains unclear.

Labcorp Genetics (formerly Invitae), Labcorp
Classification: Uncertain significance for Juvenile polyposis syndrome. Last evaluated: 2020-11-25. Review status: criteria provided, single submitter. Criteria: Invitae Variant Classification Sherloc (09022015). Collection method: clinical testing. Allele origin: germline.
Comment: This variant has not been reported in the literature in individuals with BMPR1A-related conditions. This sequence change replaces leucine with proline at codon 138 of the BMPR1A protein (p.Leu138Pro). The leucine residue is highly conserved and there is a moderate physicochemical difference between leucine and proline. This variant is not present in population databases (ExAC no frequency). Algorithms developed to predict the effect of missense changes on protein structure and function (SIFT, PolyPhen-2, Align-GVGD) all suggest that this variant is likely to be disruptive, but these predictions have not been confirmed by published functional studies and their clinical significance is uncertain. In summary, the available evidence is currently insufficient to determine the role of this variant in disease. Therefore, it has been classified as a Variant of Uncertain Significance.